The following is an entry in ClinVar:

ClinVar aggregate classification (germline): Uncertain significance. Review status: criteria provided, multiple submitters, no conflicts (2 of 4 stars). 2 submissions from 2 submitters: Uncertain significance (2). Last evaluated 2023-05-11.

Conditions:
Cardiovascular phenotype. Identifiers: MedGen CN230736.

Allele frequency attached by ClinVar (database versions not stated): ExAC 0.00001; gnomAD exomes 0.00001.
gnomAD v4.1: 4 of 1,614,154 alleles (0.00025%); highest among the groups gnomAD compares: Admixed American, 0.0067%; no homozygotes.

Submissions (2):

Ambry Genetics
Classification: Uncertain significance for Cardiovascular phenotype. Last evaluated: 2023-05-11. Review status: criteria provided, single submitter. Criteria: Ambry Variant Classification Scheme 2023. Collection method: clinical testing. Allele origin: germline.
Comment: The p.D821V variant (also known as c.2462A>T), located in coding exon 6 of the ALPK3 gene, results from an A to T substitution at nucleotide position 2462. The aspartic acid at codon 821 is replaced by valine, an amino acid with highly dissimilar properties. This amino acid position is conserved. In addition, this alteration is predicted to be tolerated by in silico analysis. Since supporting evidence is limited at this time, the clinical significance of this alteration remains unclear.

Labcorp Genetics (formerly Invitae), Labcorp
Classification: Uncertain significance. Last evaluated: 2023-04-07. Review status: criteria provided, single submitter. Criteria: Invitae Variant Classification Sherloc (09022015). Collection method: clinical testing. Allele origin: germline.
Comment: This variant has not been reported in the literature in individuals affected with ALPK3-related conditions. In summary, the available evidence is currently insufficient to determine the role of this variant in disease. Therefore, it has been classified as a Variant of Uncertain Significance. Algorithms developed to predict the effect of missense changes on protein structure and function output the following: SIFT: "Not Available"; PolyPhen-2: "Benign"; Align-GVGD: "Not Available". The valine amino acid residue is found in multiple mammalian species, which suggests that this missense change does not adversely affect protein function. ClinVar contains an entry for this variant (Variation ID: 1917671). This variant is present in population databases (rs746945173, gnomAD 0.01%). This sequence change replaces aspartic acid, which is acidic and polar, with valine, which is neutral and non-polar, at codon 821 of the ALPK3 protein (p.Asp821Val).

NM_020778.5(ALPK3):c.1856A>T (p.Asp619Val)

Gene: ALPK3 (alpha kinase 3; plus strand). Cytogenetic location: 15q25.3.
Variant type: single nucleotide variant.
Coding change: c.1856A>T on transcript NM_020778.5 (MANE Select); coding-DNA position 1856, A replaced by T.
Protein change: p.Asp619Val; replaces aspartic acid 619 with valine.
Molecular consequence: missense variant.
Genome position (GRCh38, 1-based): chr15:84,856,594, A>T. VCF-style: chr15-84856594-A-T. GRCh37 (hg19) VCF-style: chr15-85399825-A-T.
Other names: c.2462A>T (NM_020778.4); short protein forms D619V.
Identifiers: ClinVar variation 1917671 (VCV001917671.7), dbSNP rs746945173, ClinGen allele CA7709306.